The following is an entry in ClinVar:

NM_001374736.1(DST):c.20095-5T>A

Gene: DST (dystonin; minus strand). Cytogenetic location: 6p12.1.
Variant type: single nucleotide variant.
Coding change: c.20095-5T>A on transcript NM_001374736.1 (MANE Select); 5 bases into the intron before coding-DNA position 20095, T replaced by A.
Molecular consequence: intron variant.
Genome position (GRCh38, 1-based): chr6:56,497,512, A>T on the plus strand (T>A on the coding strand, the complement: DST is on the minus strand). VCF-style: chr6-56497512-A-T. GRCh37 (hg19) VCF-style: chr6-56362310-A-T.
Other names: c.13738-5T>A (NM_001144769.5); c.20095-5T>A (NM_001374722.1); c.20122-5T>A (NM_001374734.1); c.13324-5T>A (NM_001144770.2); c.12877-5T>A (NM_001374730.1); c.13204-5T>A (NM_001386100.1, NM_183380.4); c.19135-5T>A (NM_001374729.1); c.12226-5T>A (NM_015548.5).
Identifiers: ClinVar variation 1008980 (VCV001008980.7), dbSNP rs1259182802, ClinGen allele CA567377154.

ClinVar aggregate classification (germline): Uncertain significance (1 of 4 stars; one submission).

Conditions:
Epidermolysis bullosa simplex 3, localized or generalized intermediate, with BP230 deficiency (EBS3). Also called: Epidermolysis bullosa simplex due to BP230 deficiency; Epidermolysis bullosa simplex, autosomal recessive 2. Identifiers: Orphanet 412181, MedGen C3809470, MONDO:0014180, OMIM 615425.
Hereditary sensory and autonomic neuropathy type 6. Also called: HSAN VI; Neuropathy, hereditary sensory and autonomic, type VI. Identifiers: Orphanet 314381, MedGen C3539003, MONDO:0013839, OMIM 614653.

Allele frequency attached by ClinVar (database versions not stated): gnomAD exomes below 0.00001 and 0.00001.
gnomAD v4.1: 4 of 1,612,034 alleles (0.00025%); highest among the groups gnomAD compares: Non-Finnish European, 0.00034%; no homozygotes.

Submission:

Labcorp Genetics (formerly Invitae), Labcorp
Classification: Uncertain significance for Epidermolysis bullosa simplex 3, localized or generalized intermediate, with BP230 deficiency; Hereditary sensory and autonomic neuropathy type 6. Last evaluated: 2020-02-03. Review status: criteria provided, single submitter. Criteria: Invitae Variant Classification Sherloc (09022015). Collection method: clinical testing. Allele origin: germline.
Comment: In summary, the available evidence is currently insufficient to determine the role of this variant in disease. Therefore, it has been classified as a Variant of Uncertain Significance. Algorithms developed to predict the effect of sequence changes on RNA splicing suggest that this variant may disrupt the consensus splice site, but this prediction has not been confirmed by published transcriptional studies. This variant has not been reported in the literature in individuals with DST-related conditions. This variant is not present in population databases (ExAC no frequency). This sequence change falls in intron 62 of the DST gene. It does not directly change the encoded amino acid sequence of the DST protein. The DST gene has multiple clinically relevant transcripts. This variant occurs in alternate transcript NM_015548.4, and corresponds to NM_001723.5:c.*118005T>A in the primary transcript.